The following is an entry in ClinVar:

ClinVar aggregate classification (germline): Uncertain significance (1 of 4 stars; one submission).

Conditions:
KBG syndrome (KBGS). Also called: ANKRD11-Related KBG Syndrome. Identifiers: Orphanet 2332, MedGen C0220687, MONDO:0007846, OMIM 148050.

Allele frequency attached by ClinVar (database versions not stated): TOPMed below 0.00001.

Submission:

Labcorp Genetics (formerly Invitae), Labcorp
Classification: Uncertain significance for KBG syndrome. Last evaluated: 2024-08-14. Review status: criteria provided, single submitter. Criteria: Invitae Variant Classification Sherloc (09022015). Collection method: clinical testing. Allele origin: germline.
Comment: This sequence change replaces isoleucine, which is neutral and non-polar, with threonine, which is neutral and polar, at codon 406 of the ANKRD11 protein (p.Ile406Thr). This variant is not present in population databases (gnomAD no frequency). This variant has not been reported in the literature in individuals affected with ANKRD11-related conditions. Invitae Evidence Modeling of protein sequence and biophysical properties (such as structural, functional, and spatial information, amino acid conservation, physicochemical variation, residue mobility, and thermodynamic stability) indicates that this missense variant is not expected to disrupt ANKRD11 protein function with a negative predictive value of 95%. In summary, the available evidence is currently insufficient to determine the role of this variant in disease. Therefore, it has been classified as a Variant of Uncertain Significance.

NM_013275.6(ANKRD11):c.1217T>C (p.Ile406Thr)

Gene: ANKRD11 (ankyrin repeat domain 11; minus strand). Cytogenetic location: 16q24.3.
Variant type: single nucleotide variant.
Coding change: c.1217T>C on transcript NM_013275.6 (MANE Select); coding-DNA position 1217, T replaced by C.
Protein change: p.Ile406Thr; replaces isoleucine 406 with threonine.
Molecular consequence: missense variant.
Genome position (GRCh38, 1-based): chr16:89,285,325, A>G on the plus strand (T>C on the coding strand, the complement: ANKRD11 is on the minus strand). VCF-style: chr16-89285325-A-G. GRCh37 (hg19) VCF-style: chr16-89351733-A-G.
Other names: c.1217T>C, p.Ile406Thr (NM_001256182.2, NM_001256183.2); short protein forms I406T.
Identifiers: ClinVar variation 3001133 (VCV003001133.3), dbSNP rs2034575701, ClinGen allele CA397165425.